The following is an entry in ClinVar:

ClinVar aggregate classification (germline): Pathogenic. Review status: criteria provided, multiple submitters, no conflicts (2 of 4 stars). 4 submissions from 4 submitters: Pathogenic (4). Last evaluated 2023-08-11.

Conditions:
Hereditary cancer-predisposing syndrome. Also called: Tumor predisposition; Hereditary neoplastic syndrome; Hereditary Cancer Syndrome; Neoplastic Syndromes, Hereditary. Identifiers: Orphanet 140162, MedGen C0027672, MeSH D009386, MONDO:0015356.
Lynch syndrome 5 (LYNCH5). Also called: Hereditary non-polyposis colorectal cancer, type 5; Colorectal cancer, hereditary nonpolyposis, type 5. Identifiers: Orphanet 144, MedGen C1833477, MONDO:0013710, OMIM 614350. Disease mechanism: loss of function.
Hereditary nonpolyposis colorectal neoplasms. Identifiers: MedGen C0009405, MeSH D003123.

Allele frequency attached by ClinVar (database versions not stated): TOPMed below 0.00001; gnomAD 0.00001.
gnomAD v4.1: 1 of 1,614,066 alleles (0.000062%); no homozygotes.

Submissions (4):

Myriad Genetics, Inc.
Classification: Pathogenic for Lynch syndrome 5. Last evaluated: 2023-08-11. Review status: criteria provided, single submitter. Criteria: Myriad Autosomal Dominant, Autosomal Recessive and X-Linked Classification Criteria (2023). Collection method: clinical testing. Allele origin: unknown.
Comment: This variant is considered pathogenic. This variant creates a termination codon and is predicted to result in premature protein truncation.

Labcorp Genetics (formerly Invitae), Labcorp
Classification: Pathogenic for Hereditary nonpolyposis colorectal neoplasms. Last evaluated: 2022-12-31. Review status: criteria provided, single submitter. Criteria: Invitae Variant Classification Sherloc (09022015). Collection method: clinical testing. Allele origin: germline.
Comment: For these reasons, this variant has been classified as Pathogenic. ClinVar contains an entry for this variant (Variation ID: 1172098). This variant has not been reported in the literature in individuals affected with MSH6-related conditions. This variant is not present in population databases (gnomAD no frequency). This sequence change creates a premature translational stop signal (p.Glu400*) in the MSH6 gene. It is expected to result in an absent or disrupted protein product. Loss-of-function variants in MSH6 are known to be pathogenic (PMID: 18269114, 24362816).

Color Diagnostics, LLC DBA Color Health
Classification: Pathogenic for Hereditary cancer-predisposing syndrome. Last evaluated: 2020-10-30. Review status: criteria provided, single submitter. Criteria: ACMG Guidelines, 2015. Collection method: clinical testing. Allele origin: germline.
Comment: This variant changes 1 nucleotide in exon 4 of the MSH6 gene, creating a premature translation stop signal. This variant is expected to result in an absent or non-functional protein product. To our knowledge, this variant has not been reported in individuals affected with hereditary cancer in the literature. This variant has not been identified in the general population by the Genome Aggregation Database (gnomAD). Loss of MSH6 function is a known mechanism of disease. Based on the available evidence, this variant is classified as Pathogenic.

Ambry Genetics
Classification: Pathogenic for Hereditary cancer-predisposing syndrome. Last evaluated: 2020-08-20. Review status: criteria provided, single submitter. Criteria: Ambry Variant Classification Scheme 2023. Collection method: clinical testing. Allele origin: germline.
Comment: The p.E400* pathogenic mutation (also known as c.1198G>T), located in coding exon 4 of the MSH6 gene, results from a G to T substitution at nucleotide position 1198. This changes the amino acid from a glutamic acid to a stop codon within coding exon 4. This alteration is expected to result in loss of function by premature protein truncation or nonsense-mediated mRNA decay. As such, this alteration is interpreted as a disease-causing mutation.

Literature cited by the submitters: PubMed 18269114 (cited by Labcorp Genetics (formerly Invitae), Labcorp); PubMed 24362816 (cited by Labcorp Genetics (formerly Invitae), Labcorp).

NM_000179.3(MSH6):c.1198G>T (p.Glu400Ter)

Gene: MSH6 (mutS homolog 6; plus strand). Cytogenetic location: 2p16.3.
Variant type: single nucleotide variant.
Coding change: c.1198G>T on transcript NM_000179.3 (MANE Select); coding-DNA position 1198, G replaced by T.
Protein change: p.Glu400Ter; replaces glutamic acid 400 with a stop codon.
Molecular consequence: nonsense.
Genome position (GRCh38, 1-based): chr2:47,799,181, G>T. VCF-style: chr2-47799181-G-T. GRCh37 (hg19) VCF-style: chr2-48026320-G-T.
Other names: c.808G>T, p.Glu270Ter (NM_001281492.2); c.292G>T, p.Glu98Ter (NM_001281493.2, NM_001281494.2); short protein forms E270*, E400*, E98*.
Identifiers: ClinVar variation 1172098 (VCV001172098.11), dbSNP rs1396658541, ClinGen allele CA346743399.